The following is an entry in ClinVar:

NM_181703.4(GJA5):c.1016G>C (p.Ser339Thr)

Gene: GJA5 (gap junction protein alpha 5; minus strand). Cytogenetic location: 1q21.2.
Variant type: single nucleotide variant.
Coding change: c.1016G>C on transcript NM_181703.4 (MANE Select); coding-DNA position 1016, G replaced by C.
Protein change: p.Ser339Thr; replaces serine 339 with threonine.
Molecular consequence: missense variant.
Genome position (GRCh38, 1-based): chr1:147,758,223, C>G on the plus strand (G>C on the coding strand, the complement: GJA5 is on the minus strand). VCF-style: chr1-147758223-C-G. GRCh37 (hg19) VCF-style: chr1-147230331-C-G.
Other names: c.1016G>C, p.Ser339Thr (NM_005266.7); short protein forms S339T.
Identifiers: ClinVar variation 3747994 (VCV003747994.2).

ClinVar aggregate classification (germline): Uncertain significance (1 of 4 stars; one submission).

Conditions:
Atrial standstill 1 (ATRST1). Also called: Atrial standstill, digenic (GJA5/SCN5A); ATRIAL CARDIOMYOPATHY WITH HEART BLOCK; CARDIOMYOPATHY, FAMILIAL, WITH CONDUCTION DISTURBANCE. Identifiers: Orphanet 1344, MedGen C4551959, MONDO:0007171, OMIM 108770.
Atrial fibrillation, familial, 11 (ATFB11). Identifiers: MedGen C3279693, MONDO:0013544, OMIM 614049.

Submission:

Labcorp Genetics (formerly Invitae), Labcorp
Classification: Uncertain significance for Atrial fibrillation, familial, 11; Atrial standstill 1. Last evaluated: 2024-03-15. Review status: criteria provided, single submitter. Criteria: Invitae Variant Classification Sherloc (09022015). Collection method: clinical testing. Allele origin: germline.
Comment: This sequence change replaces serine, which is neutral and polar, with threonine, which is neutral and polar, at codon 339 of the GJA5 protein (p.Ser339Thr). This variant is not present in population databases (gnomAD no frequency). This variant has not been reported in the literature in individuals affected with GJA5-related conditions. Algorithms developed to predict the effect of missense changes on protein structure and function output the following: SIFT: "Not Available"; PolyPhen-2: "Not Available"; Align-GVGD: "Not Available". The threonine amino acid residue is found in multiple mammalian species, which suggests that this missense change does not adversely affect protein function. In summary, the available evidence is currently insufficient to determine the role of this variant in disease. Therefore, it has been classified as a Variant of Uncertain Significance.